The following is an entry in ClinVar:

NM_015443.4(KANSL1):c.2480C>G (p.Ser827Cys)

Gene: KANSL1 (KAT8 regulatory NSL complex subunit 1). Cytogenetic location: 17q21.31.
Variant type: single nucleotide variant.
Coding change: c.2480C>G on transcript NM_015443.4 (MANE Select); coding-DNA position 2480, C replaced by G.
Protein change: p.Ser827Cys; replaces serine 827 with cysteine.
Molecular consequence: missense variant.
Genome position (GRCh38, 1-based): chr17:46,038,599, G>C on the plus strand (C>G on the coding strand, the complement: KANSL1 is on the minus strand). VCF-style: chr17-46038599-G-C. GRCh37 (hg19) VCF-style: chr17-44115965-G-C.
Other names: c.2480C>G, p.Ser827Cys (NM_001193465.2, NM_001193466.2, NM_001379198.1 and 8 more transcripts); c.2378C>G, p.Ser793Cys (NM_001405859.1, NM_001405860.1, NM_001405861.1 and 1 more transcripts); c.2291C>G, p.Ser764Cys (NM_001405875.1, NM_001405876.1, NM_001405877.1 and 3 more transcripts); c.1214C>G, p.Ser405Cys (NM_001405882.1, NM_001405883.1); c.1025C>G, p.Ser342Cys (NM_001405884.1, NM_001405885.1); short protein forms S764C, S827C, S793C, S342C, S405C.
Identifiers: ClinVar variation 4743521 (VCV004743521.1).

ClinVar aggregate classification (germline): Uncertain significance (1 of 4 stars; one submission).

Conditions:
Koolen-de Vries syndrome (KDVS). Identifiers: Orphanet 96169, MedGen C1864871, MONDO:0012496, OMIM 610443.

gnomAD v4.1: 2 of 1,614,184 alleles (0.00012%); highest among the groups gnomAD compares: East Asian, 0.0045%; no homozygotes.

Submission:

Labcorp Genetics (formerly Invitae), Labcorp
Classification: Uncertain significance for Koolen-de Vries syndrome. Last evaluated: 2025-05-17. Review status: criteria provided, single submitter. Criteria: Invitae Variant Classification Sherloc (09022015). Collection method: clinical testing. Allele origin: germline.
Comment: This sequence change replaces serine, which is neutral and polar, with cysteine, which is neutral and slightly polar, at codon 827 of the KANSL1 protein (p.Ser827Cys). This variant is present in population databases (rs773238363, gnomAD 0.006%). This variant has not been reported in the literature in individuals affected with KANSL1-related conditions. Invitae Evidence Modeling of protein sequence and biophysical properties (such as structural, functional, and spatial information, amino acid conservation, physicochemical variation, residue mobility, and thermodynamic stability) has been performed for this missense variant. However, the output from this modeling did not meet the statistical confidence thresholds required to predict the impact of this variant on KANSL1 protein function. In summary, the available evidence is currently insufficient to determine the role of this variant in disease. Therefore, it has been classified as a Variant of Uncertain Significance.